The following is an entry in ClinVar:

ClinVar aggregate classification (germline): Benign/Likely benign. Review status: criteria provided, multiple submitters, no conflicts (2 of 4 stars). 2 submissions from 2 submitters: Benign (1); Likely benign (1). Last evaluated 2024-08-29.

Conditions:
Hereditary cancer-predisposing syndrome. Also called: Neoplastic Syndromes, Hereditary; Tumor predisposition; Hereditary Cancer Syndrome; Hereditary neoplastic syndrome. Identifiers: Orphanet 140162, MedGen C0027672, MeSH D009386, MONDO:0015356.
Familial cancer of breast. Also called: BREAST CANCER, FAMILIAL; Hereditary breast cancer; hereditary breast carcinoma. Identifiers: Orphanet 227535, MedGen C0346153, MONDO:0016419, OMIM 114480. Disease mechanism: loss of function.

Submissions (2):

Myriad Genetics, Inc.
Classification: Benign for Familial cancer of breast. Last evaluated: 2024-08-29. Review status: criteria provided, single submitter. Criteria: Myriad Autosomal Dominant, Autosomal Recessive and X-Linked Classification Criteria (2023). Collection method: clinical testing. Allele origin: unknown.
Comment: This variant is considered benign. This variant is a silent/synonymous amino acid change and it is not expected to impact splicing.

Ambry Genetics
Classification: Likely benign for Hereditary cancer-predisposing syndrome. Last evaluated: 2021-10-07. Review status: criteria provided, single submitter. Criteria: Ambry Variant Classification Scheme 2023. Collection method: clinical testing. Allele origin: germline.

NM_032043.3(BRIP1):c.1830T>A (p.Ile610=)

Gene: BRIP1 (BRCA1 interacting DNA helicase 1; minus strand). Cytogenetic location: 17q23.2.
Variant type: single nucleotide variant.
Coding change: c.1830T>A on transcript NM_032043.3 (MANE Select); coding-DNA position 1830, T replaced by A.
Protein change: p.Ile610=; no amino-acid change (isoleucine 610 retained).
Molecular consequence: synonymous variant.
Genome position (GRCh38, 1-based): chr17:61,780,366, A>T on the plus strand (T>A on the coding strand, the complement: BRIP1 is on the minus strand). VCF-style: chr17-61780366-A-T. GRCh37 (hg19) VCF-style: chr17-59857727-A-T.
Identifiers: ClinVar variation 1780950 (VCV001780950.3), dbSNP rs2145080210, ClinGen allele CA501150415.